The following is an entry in ClinVar:

ClinVar aggregate classification (germline): Uncertain significance. Review status: criteria provided, multiple submitters, no conflicts (2 of 4 stars). 2 submissions from 2 submitters: Uncertain significance (2). Last evaluated 2026-03-02.

Conditions:
Dowling-Degos disease 2 (DDD2). Identifiers: Orphanet 79145, MedGen C3809147, MONDO:0014130, OMIM 615327.
Inborn genetic diseases. Identifiers: MedGen C0950123, MeSH D030342.

Allele frequency attached by ClinVar (database versions not stated): gnomAD 0.00001; ESP Exome Variant Server 0.00008.
gnomAD v4.1: 24 of 1,613,870 alleles (0.0015%); highest among the groups gnomAD compares: Non-Finnish European, 0.0019%; no homozygotes.

Submissions (2):

Ambry Genetics
Classification: Uncertain significance for Inborn genetic diseases. Last evaluated: 2026-03-02. Review status: criteria provided, single submitter. Criteria: Ambry Variant Classification Scheme 2023. Collection method: clinical testing. Allele origin: germline.
Comment: The c.480C>A (p.N160K) alteration is located in exon 4 (coding exon 4) of the POFUT1 gene. This alteration results from a C to A substitution at nucleotide position 480, causing the asparagine (N) at amino acid position 160 to be replaced by a lysine (K). Based on data from gnomAD, the A allele has an overall frequency of 0.001% (2/251472) total alleles studied. The highest observed frequency was 0.002% (2/113754) of European (non-Finnish) alleles. Based on insufficient or conflicting evidence, the clinical significance of this alteration remains unclear.

Labcorp Genetics (formerly Invitae), Labcorp
Classification: Uncertain significance for Dowling-Degos disease 2. Last evaluated: 2023-06-02. Review status: criteria provided, single submitter. Criteria: Invitae Variant Classification Sherloc (09022015). Collection method: clinical testing. Allele origin: germline.
Comment: This sequence change replaces asparagine, which is neutral and polar, with lysine, which is basic and polar, at codon 160 of the POFUT1 protein (p.Asn160Lys). This variant is present in population databases (rs373374751, gnomAD 0.002%). This variant has not been reported in the literature in individuals affected with POFUT1-related conditions. An algorithm developed to predict the effect of missense changes on protein structure and function (PolyPhen-2) suggests that this variant is likely to be tolerated. Algorithms developed to predict the effect of sequence changes on RNA splicing suggest that this variant may disrupt the consensus splice site. In summary, the available evidence is currently insufficient to determine the role of this variant in disease. Therefore, it has been classified as a Variant of Uncertain Significance.

NM_015352.2(POFUT1):c.480C>A (p.Asn160Lys)

Gene: POFUT1 (protein O-fucosyltransferase 1; plus strand). Cytogenetic location: 20q11.21.
Variant type: single nucleotide variant.
Coding change: c.480C>A on transcript NM_015352.2 (MANE Select); coding-DNA position 480, C replaced by A.
Protein change: p.Asn160Lys; replaces asparagine 160 with lysine.
Molecular consequence: missense variant.
Genome position (GRCh38, 1-based): chr20:32,216,659, C>A. VCF-style: chr20-32216659-C-A. GRCh37 (hg19) VCF-style: chr20-30804462-C-A.
Other names: c.480C>A, p.Asn160Lys (NM_172236.2); c.480C>A (NM_015352.1); short protein forms N160K.
Identifiers: ClinVar variation 3015660 (VCV003015660.4), dbSNP rs373374751, ClinGen allele CA9807232.